The following is an entry in ClinVar:

ClinVar aggregate classification (germline): Uncertain significance (1 of 4 stars; one submission).

Conditions:
Epileptic encephalopathy. Identifiers: MedGen C0543888, HP:0200134.

Allele frequency attached by ClinVar (database versions not stated): gnomAD 0.00001; TOPMed 0.00002.
gnomAD v4.1: 6 of 1,560,538 alleles (0.00038%); highest among the groups gnomAD compares: Non-Finnish European, 0.00052%; no homozygotes.

Submission:

Labcorp Genetics (formerly Invitae), Labcorp
Classification: Uncertain significance for Epileptic encephalopathy. Last evaluated: 2022-08-25. Review status: criteria provided, single submitter. Criteria: Invitae Variant Classification Sherloc (09022015). Collection method: clinical testing. Allele origin: germline.
Comment: This variant is not present in population databases (gnomAD no frequency). In summary, the available evidence is currently insufficient to determine the role of this variant in disease. Therefore, it has been classified as a Variant of Uncertain Significance. Algorithms developed to predict the effect of missense changes on protein structure and function (SIFT, PolyPhen-2, Align-GVGD) all suggest that this variant is likely to be tolerated. ClinVar contains an entry for this variant (Variation ID: 941358). This variant has not been reported in the literature in individuals affected with FASN-related conditions. This sequence change replaces aspartic acid, which is acidic and polar, with asparagine, which is neutral and polar, at codon 2291 of the FASN protein (p.Asp2291Asn).

NM_004104.5(FASN):c.6871G>A (p.Asp2291Asn)

Gene: FASN (fatty acid synthase; minus strand). Cytogenetic location: 17q25.3.
Variant type: single nucleotide variant.
Coding change: c.6871G>A on transcript NM_004104.5 (MANE Select); coding-DNA position 6871, G replaced by A.
Protein change: p.Asp2291Asn; replaces aspartic acid 2291 with asparagine.
Molecular consequence: missense variant.
Genome position (GRCh38, 1-based): chr17:82,080,546, C>T on the plus strand (G>A on the coding strand, the complement: FASN is on the minus strand). VCF-style: chr17-82080546-C-T. GRCh37 (hg19) VCF-style: chr17-80038422-C-T.
Other names: short protein forms D2291N.
Identifiers: ClinVar variation 941358 (VCV000941358.9), dbSNP rs1180994609, ClinGen allele CA401598367.